The following is an entry in ClinVar:

ClinVar aggregate classification (germline): Uncertain significance (1 of 4 stars; one submission).

gnomAD v4.1: 3 of 1,613,970 alleles (0.00019%); highest among the groups gnomAD compares: African/African-American, 0.004%; no homozygotes.

Submission:

Ambry Genetics
Classification: Uncertain significance. Last evaluated: 2026-05-02. Review status: criteria provided, single submitter. Criteria: Ambry Variant Classification Scheme 2023. Collection method: clinical testing. Allele origin: germline.
Comment: The p.A459E variant (also known as c.1376C>A), located in coding exon 8 of the RNF43 gene, results from a C to A substitution at nucleotide position 1376. The alanine at codon 459 is replaced by glutamic acid, an amino acid with dissimilar properties. This amino acid position is conserved. In addition, this alteration is predicted to be tolerated by in silico analysis. Based on the available evidence, the clinical significance of this variant remains unclear.

NM_017763.6(RNF43):c.1376C>A (p.Ala459Glu)

Gene: RNF43 (ring finger protein 43; minus strand). Cytogenetic location: 17q22.
Variant type: single nucleotide variant.
Coding change: c.1376C>A on transcript NM_017763.6 (MANE Select); coding-DNA position 1376, C replaced by A.
Protein change: p.Ala459Glu; replaces alanine 459 with glutamic acid.
Molecular consequence: missense variant.
Genome position (GRCh38, 1-based): chr17:58,358,400, G>T on the plus strand (C>A on the coding strand, the complement: RNF43 is on the minus strand). VCF-style: chr17-58358400-G-T. GRCh37 (hg19) VCF-style: chr17-56435761-G-T.
Other names: c.1376C>A, p.Ala459Glu (NM_001305544.3, NM_001438820.1, NM_001438821.1 and 1 more transcripts); c.995C>A, p.Ala332Glu (NM_001305545.2, NM_001437987.1); short protein forms A332E, A459E.
Identifiers: ClinVar variation 4863413 (VCV004863413.1).